The following is an entry in ClinVar:

NM_006231.4(POLE):c.5418C>G (p.Ile1806Met)

Gene: POLE (DNA polymerase epsilon, catalytic subunit; minus strand). Cytogenetic location: 12q24.33.
Variant type: single nucleotide variant.
Coding change: c.5418C>G on transcript NM_006231.4 (MANE Select); coding-DNA position 5418, C replaced by G.
Protein change: p.Ile1806Met; replaces isoleucine 1806 with methionine.
Molecular consequence: missense variant.
Genome position (GRCh38, 1-based): chr12:132,639,259, G>C on the plus strand (C>G on the coding strand, the complement: POLE is on the minus strand). VCF-style: chr12-132639259-G-C. GRCh37 (hg19) VCF-style: chr12-133215845-G-C.
Other names: short protein forms I1806M.
Identifiers: ClinVar variation 2007868 (VCV002007868.4), dbSNP rs2138510838, ClinGen allele CA387374962.

ClinVar aggregate classification (germline): Uncertain significance (1 of 4 stars; one submission).

Submission:

Labcorp Genetics (formerly Invitae), Labcorp
Classification: Uncertain significance. Last evaluated: 2022-10-25. Review status: criteria provided, single submitter. Criteria: Invitae Variant Classification Sherloc (09022015). Collection method: clinical testing. Allele origin: germline.
Comment: In summary, the available evidence is currently insufficient to determine the role of this variant in disease. Therefore, it has been classified as a Variant of Uncertain Significance. Advanced modeling of protein sequence and biophysical properties (such as structural, functional, and spatial information, amino acid conservation, physicochemical variation, residue mobility, and thermodynamic stability) performed at Invitae indicates that this missense variant is not expected to disrupt POLE protein function. This variant has not been reported in the literature in individuals affected with POLE-related conditions. This variant is not present in population databases (gnomAD no frequency). This sequence change replaces isoleucine, which is neutral and non-polar, with methionine, which is neutral and non-polar, at codon 1806 of the POLE protein (p.Ile1806Met).